The following is an entry in ClinVar:

ClinVar aggregate classification (germline): Uncertain significance (1 of 4 stars; one submission).

Conditions:
Kabuki syndrome 2 (KABUK2). Also called: KDM6A-Related Kabuki Syndrome. Identifiers: Orphanet 2322, MedGen C3275495, MONDO:0010465, OMIM 300867.

Allele frequency attached by ClinVar (database versions not stated): gnomAD exomes 0.00001.
gnomAD v4.1: 8 of 1,170,521 alleles (0.00068%); highest among the groups gnomAD compares: East Asian, 0.003%; no homozygotes.

Submission:

Labcorp Genetics (formerly Invitae), Labcorp
Classification: Uncertain significance for Kabuki syndrome 2. Last evaluated: 2024-07-12. Review status: criteria provided, single submitter. Criteria: Invitae Variant Classification Sherloc (09022015). Collection method: clinical testing. Allele origin: germline.
Comment: This sequence change replaces asparagine, which is neutral and polar, with serine, which is neutral and polar, at codon 448 of the KDM6A protein (p.Asn448Ser). This variant is not present in population databases (gnomAD no frequency). This variant has not been reported in the literature in individuals affected with KDM6A-related conditions. ClinVar contains an entry for this variant (Variation ID: 1920182). Advanced modeling of protein sequence and biophysical properties (such as structural, functional, and spatial information, amino acid conservation, physicochemical variation, residue mobility, and thermodynamic stability) performed at Invitae indicates that this missense variant is not expected to disrupt KDM6A protein function with a negative predictive value of 80%. In summary, the available evidence is currently insufficient to determine the role of this variant in disease. Therefore, it has been classified as a Variant of Uncertain Significance.

NM_001291415.2(KDM6A):c.1499A>G (p.Asn500Ser)

Gene: KDM6A (lysine demethylase 6A; plus strand). Cytogenetic location: Xp11.3.
Variant type: single nucleotide variant.
Coding change: c.1499A>G on transcript NM_001291415.2 (MANE Select); coding-DNA position 1499, A replaced by G.
Protein change: p.Asn500Ser; replaces asparagine 500 with serine.
Molecular consequence: missense variant. On other transcripts: non-coding transcript variant (1).
Genome position (GRCh38, 1-based): chrX:45,061,337, A>G. VCF-style: chrX-45061337-A-G. GRCh37 (hg19) VCF-style: chrX-44920582-A-G.
Other names: c.1364A>G, p.Asn455Ser (NM_001291416.2); c.1208A>G, p.Asn403Ser (NM_001291417.2, NM_001291418.2); c.455A>G, p.Asn152Ser (NM_001291421.2); c.1343A>G, p.Asn448Ser (NM_001410742.1, NM_021140.4); short protein forms N500S, N152S, N403S, N455S, N448S.
Identifiers: ClinVar variation 1920182 (VCV001920182.5), dbSNP rs2044279088, ClinGen allele CA412784753.